The following is an entry in ClinVar:

NM_001039141.3(TRIOBP):c.6974A>T (p.Tyr2325Phe)

Gene: TRIOBP (TRIO and F-actin binding protein; plus strand). Cytogenetic location: 22q13.1.
Variant type: single nucleotide variant.
Coding change: c.6974A>T on transcript NM_001039141.3 (MANE Select); coding-DNA position 6974, A replaced by T.
Protein change: p.Tyr2325Phe; replaces tyrosine 2325 with phenylalanine.
Molecular consequence: missense variant.
Genome position (GRCh38, 1-based): chr22:37,772,638, A>T. VCF-style: chr22-37772638-A-T. GRCh37 (hg19) VCF-style: chr22-38168645-A-T.
Other names: c.1835A>T, p.Tyr612Phe (NM_007032.5); short protein forms Y612F, Y2325F.
Identifiers: ClinVar variation 1386628 (VCV001386628.3), dbSNP rs186161850, ClinGen allele CA10225310.
Genomic context (GRCh38, chr22:37,772,638, plus strand): 5'-CATACCTGCCTCCTGCCCCCCAGGACAAGCGCTTCACCTCGGGAAAGTACCAGGACGTCT[A>T]TGTGGAGCTGAGCCACATCAAGACACGGTCTGAGCGGGAGATCGAGCAGCTGAAGGAGCA-3'
Protein context (NP_001034230.1, residues 2315-2335): RFTSGKYQDV[Tyr2325Phe]VELSHIKTRS

ClinVar aggregate classification (germline): Uncertain significance (1 of 4 stars; one submission).

gnomAD v4.1: 24 of 1,614,046 alleles (0.0015%); highest among the groups gnomAD compares: Admixed American, 0.0067%; no homozygotes.

Submission:

Labcorp Genetics (formerly Invitae), Labcorp
Classification: Uncertain significance. Last evaluated: 2021-12-02. Review status: criteria provided, single submitter. Criteria: Invitae Variant Classification Sherloc (09022015). Collection method: clinical testing. Allele origin: germline.
Comment: This sequence change replaces tyrosine, which is neutral and polar, with phenylalanine, which is neutral and non-polar, at codon 2325 of the TRIOBP protein (p.Tyr2325Phe). This variant is present in population databases (rs186161850, gnomAD 0.01%). This variant has not been reported in the literature in individuals affected with TRIOBP-related conditions. Algorithms developed to predict the effect of missense changes on protein structure and function are either unavailable or do not agree on the potential impact of this missense change (SIFT: "Tolerated"; PolyPhen-2: "Possibly Damaging"; Align-GVGD: "Class C0"). In summary, the available evidence is currently insufficient to determine the role of this variant in disease. Therefore, it has been classified as a Variant of Uncertain Significance.